The following is an entry in ClinVar:

ClinVar aggregate classification (germline): Uncertain significance (1 of 4 stars; one submission).

Conditions:
Nephronophthisis. Also called: Juvenile Nephronophthisis. Identifiers: Orphanet 655, MedGen C0687120, MONDO:0019005, HP:0000090.

Submission:

Labcorp Genetics (formerly Invitae), Labcorp
Classification: Uncertain significance for Nephronophthisis. Last evaluated: 2019-08-19. Review status: criteria provided, single submitter. Criteria: Invitae Variant Classification Sherloc (09022015). Collection method: clinical testing. Allele origin: germline.
Comment: Algorithms developed to predict the effect of missense changes on protein structure and function are either unavailable or do not agree on the potential impact of this missense change (SIFT: "Tolerated"; PolyPhen-2: "Not Available"; Align-GVGD: "Class C0"). In summary, the available evidence is currently insufficient to determine the role of this variant in disease. Therefore, it has been classified as a Variant of Uncertain Significance. This variant has not been reported in the literature in individuals with GLIS2-related conditions. This variant is not present in population databases (ExAC no frequency). This sequence change replaces proline with leucine at codon 365 of the GLIS2 protein (p.Pro365Leu). The proline residue is highly conserved and there is a moderate physicochemical difference between proline and leucine.

NM_032575.3(GLIS2):c.1094C>T (p.Pro365Leu)

Gene: GLIS2 (GLIS family zinc finger 2; plus strand). Cytogenetic location: 16p13.3.
Variant type: single nucleotide variant.
Coding change: c.1094C>T on transcript NM_032575.3 (MANE Select); coding-DNA position 1094, C replaced by T.
Protein change: p.Pro365Leu; replaces proline 365 with leucine.
Molecular consequence: missense variant.
Genome position (GRCh38, 1-based): chr16:4,337,043, C>T. VCF-style: chr16-4337043-C-T. GRCh37 (hg19) VCF-style: chr16-4387044-C-T.
Other names: c.1094C>T, p.Pro365Leu (NM_001318918.2); short protein forms P365L.
Identifiers: ClinVar variation 964517 (VCV000964517.9), dbSNP rs2053561223, ClinGen allele CA394599553.
Genomic context (GRCh38, chr16:4,337,043, plus strand): 5'-GCCCCTATGTCAGTGGGGCCCAGATCATCATCCCCAACCCAGCTGCCCTCTTTGGAGGCC[C>T]TGGCCTGCCCGGCTTACCCCTACCCCTGGCCCCCGGCCCCCTTGACCTCAGTGCCCTGGC-3'
Protein context (NP_115964.2, residues 355-375): IPNPAALFGG[Pro365Leu]GLPGLPLPLA